The following is an entry in ClinVar:

NM_002460.4(IRF4):c.864C>G (p.Asp288Glu)

Gene: IRF4 (interferon regulatory factor 4; plus strand). Cytogenetic location: 6p25.3.
Variant type: single nucleotide variant.
Coding change: c.864C>G on transcript NM_002460.4 (MANE Select); coding-DNA position 864, C replaced by G.
Protein change: p.Asp288Glu; replaces aspartic acid 288 with glutamic acid.
Molecular consequence: missense variant. On other transcripts: non-coding transcript variant (1).
Genome position (GRCh38, 1-based): chr6:401,542, C>G. VCF-style: chr6-401542-C-G. GRCh37 (hg19) VCF-style: chr6-401542-C-G.
Other names: c.861C>G, p.Asp287Glu (NM_001195286.2); short protein forms D287E, D288E.
Identifiers: ClinVar variation 4708819 (VCV004708819.1).

ClinVar aggregate classification (germline): Uncertain significance (1 of 4 stars; one submission).

gnomAD v4.1: 2 of 1,614,080 alleles (0.00012%); highest among the groups gnomAD compares: South Asian, 0.0022%; no homozygotes.

Submission:

Labcorp Genetics (formerly Invitae), Labcorp
Classification: Uncertain significance. Last evaluated: 2025-07-21. Review status: criteria provided, single submitter. Criteria: Invitae Variant Classification Sherloc (09022015). Collection method: clinical testing. Allele origin: germline.
Comment: This sequence change replaces aspartic acid, which is acidic and polar, with glutamic acid, which is acidic and polar, at codon 288 of the IRF4 protein (p.Asp288Glu). This variant is present in population databases (no rsID available, gnomAD 0.003%). This variant has not been reported in the literature in individuals affected with IRF4-related conditions. An algorithm developed to predict the effect of missense changes on protein structure and function (PolyPhen-2) suggests that this variant is likely to be tolerated. In summary, the available evidence is currently insufficient to determine the role of this variant in disease. Therefore, it has been classified as a Variant of Uncertain Significance.